The following is an entry in ClinVar:

NM_014363.6(SACS):c.13491_13492del (p.Asp4497fs)

Gene: SACS (sacsin molecular chaperone; minus strand). Cytogenetic location: 13q12.12.
Variant type: Deletion.
Coding change: c.13491_13492del on transcript NM_014363.6 (MANE Select); coding-DNA positions 13491 to 13492, 2 bases deleted (TA; older notation c.13491_13492delTA).
Protein change: p.Asp4497fs; shifts the reading frame from aspartic acid 4497.
Molecular consequence: frameshift variant.
Genome position (GRCh38, 1-based): chr13:23,330,384-23,330,385, TA deleted on the plus strand (TA on the coding strand, the reverse complement: SACS is on the minus strand); deleting any 2 consecutive bases within chr13:23,330,384-23,330,386 gives the same sequence; the c. name uses the placement nearest the transcript's 3' end. VCF-style (leftmost placement, unchanged base first): chr13-23330383-TTA-T. GRCh37 (hg19) VCF-style: chr13-23904522-TTA-T.
Other names: c.13050_13051del, p.Asp4350fs (NM_001278055.2); c.13518_13519del, p.Asp4506fs (NM_001437336.1); short protein forms D4350fs, D4497fs, D4506fs.
Identifiers: ClinVar variation 4815684 (VCV004815684.1).

ClinVar aggregate classification (germline): Likely pathogenic (1 of 4 stars; one submission).

Conditions:
Charlevoix-Saguenay spastic ataxia (SACS). Also called: AUTOSOMAL RECESSIVE SPASTIC ATAXIA OF CHARLEVOIX-SAGUENAY; Spastic ataxia of Charlevoix-Saguenay; SPASTIC ATAXIA 6, AUTOSOMAL RECESSIVE. Identifiers: Orphanet 98, MedGen C1849140, MONDO:0010041, OMIM 270550.

Submission:

Natera, Inc.
Classification: Likely pathogenic for Charlevoix-Saguenay type spastic ataxia. Last evaluated: 2024-04-22. Review status: criteria provided, single submitter. Criteria: Natera Variant Classification Schema (03/2026). Collection method: clinical testing. Allele origin: germline.
Comment: The c.13491_13492delTA variant in SACS is a frameshift variant predicted to shift the reading frame beginning at codon 4497 and leads to a stop codon 16 codons downstream. This variant is expected to result in nonsense mediated decay, truncation, or a dysfunctional protein product. This variant is rare in the general population with a frequency below the threshold expected for the associated phenotype(s). Given the available evidence, this variant is classified as Likely Pathogenic.